The following is an entry in ClinVar:

NM_205861.3(DHDDS):c.103G>A (p.Gly35Arg)

Gene: DHDDS (dehydrodolichyl diphosphate synthase subunit; plus strand). Cytogenetic location: 1p36.11.
Variant type: single nucleotide variant.
Coding change: c.103G>A on transcript NM_205861.3 (MANE Select); coding-DNA position 103, G replaced by A.
Protein change: p.Gly35Arg; replaces glycine 35 with arginine.
Molecular consequence: missense variant. On other transcripts: 5 prime UTR variant (1).
Genome position (GRCh38, 1-based): chr1:26,438,207, G>A. VCF-style: chr1-26438207-G-A. GRCh37 (hg19) VCF-style: chr1-26764698-G-A.
Other names: c.103G>A, p.Gly35Arg (NM_001243564.2, NM_001243565.2, NM_024887.4); c.-200G>A (NM_001319959.2); short protein forms G35R.
Identifiers: ClinVar variation 4975765 (VCV004975765.1).

ClinVar aggregate classification (germline): Likely pathogenic (1 of 4 stars; one submission).

gnomAD v4.1: 2 of 1,613,990 alleles (0.00012%); highest among the groups gnomAD compares: Non-Finnish European, 0.00017%; no homozygotes.

Submission:

GeneDx
Classification: Likely pathogenic. Last evaluated: 2026-03-17. Review status: criteria provided, single submitter. Criteria: GeneDx Variant Classification Process June 2021. Collection method: clinical testing. Allele origin: germline.
Comment: Not observed at significant frequency in large population cohorts (gnomAD); In silico analysis supports that this missense variant has a deleterious effect on protein structure/function; Has not been previously published as pathogenic or benign to our knowledge; This variant is associated with the following publications: (PMID: 34382076)